The following is an entry in ClinVar:

NM_004859.4(CLTC):c.3653A>G (p.Tyr1218Cys)

Gene: CLTC (clathrin heavy chain; plus strand). Cytogenetic location: 17q23.1.
Variant type: single nucleotide variant.
Coding change: c.3653A>G on transcript NM_004859.4 (MANE Select); coding-DNA position 3653, A replaced by G.
Protein change: p.Tyr1218Cys; replaces tyrosine 1218 with cysteine.
Molecular consequence: missense variant.
Genome position (GRCh38, 1-based): chr17:59,682,681, A>G. VCF-style: chr17-59682681-A-G. GRCh37 (hg19) VCF-style: chr17-57760042-A-G.
Other names: c.3665A>G, p.Tyr1222Cys (NM_001288653.2); c.3665A>G (NM_001288653.1); short protein forms Y1218C, Y1222C.
Identifiers: ClinVar variation 3654643 (VCV003654643.3).
Genomic context (GRCh38, chr17:59,682,681, plus strand): 5'-TTTTCCAGGTTGGTGACCGTTGTTATGATGAAAAAATGTATGATGCTGCTAAGTTGTTGT[A>G]CAATAATGTTTCCAATTTTGGACGTTTGGCATCTACCCTGGTTCACCTGGGTGAATATCA-3'
Protein context (NP_004850.1, residues 1208-1228): EKMYDAAKLL[Tyr1218Cys]NNVSNFGRLA

ClinVar aggregate classification (germline): Uncertain significance. Review status: criteria provided, multiple submitters, no conflicts (2 of 4 stars). 2 submissions from 2 submitters: Uncertain significance (2). Last evaluated 2025-05-14.

Submissions (2):

GeneDx
Classification: Uncertain significance. Last evaluated: 2025-05-14. Review status: criteria provided, single submitter. Criteria: GeneDx Variant Classification Process June 2021. Collection method: clinical testing. Allele origin: germline. Affected: yes.
Comment: Not observed at significant frequency in large population cohorts (gnomAD); In silico analysis supports that this missense variant has a deleterious effect on protein structure/function; Has not been previously published as pathogenic or benign to our knowledge

Labcorp Genetics (formerly Invitae), Labcorp
Classification: Uncertain significance. Last evaluated: 2024-05-26. Review status: criteria provided, single submitter. Criteria: Invitae Variant Classification Sherloc (09022015). Collection method: clinical testing. Allele origin: germline.
Comment: This sequence change replaces tyrosine, which is neutral and polar, with cysteine, which is neutral and slightly polar, at codon 1222 of the CLTC protein (p.Tyr1222Cys). This variant is not present in population databases (gnomAD no frequency). This variant has not been reported in the literature in individuals affected with CLTC-related conditions. Advanced modeling of protein sequence and biophysical properties (such as structural, functional, and spatial information, amino acid conservation, physicochemical variation, residue mobility, and thermodynamic stability) performed at Invitae indicates that this missense variant is expected to disrupt CLTC protein function with a positive predictive value of 80%. In summary, the available evidence is currently insufficient to determine the role of this variant in disease. Therefore, it has been classified as a Variant of Uncertain Significance.